The following is an entry in ClinVar:

NM_000186.4(CFH):c.2791_2792delinsCT (p.Cys931Leu)

Gene: CFH (complement factor H; plus strand). Cytogenetic location: 1q31.3.
Variant type: Indel.
Coding change: c.2791_2792delinsCT on transcript NM_000186.4 (MANE Select); coding-DNA positions 2791 to 2792, TG replaced by CT.
Protein change: p.Cys931Leu; replaces cysteine 931 with leucine.
Molecular consequence: missense variant.
Genome position (GRCh38, 1-based): chr1:196,740,627-196,740,628, TG replaced by CT. VCF-style: chr1-196740627-TG-CT. GRCh37 (hg19) VCF-style: chr1-196709757-TG-CT.
Other names: c.2791_2792delTGinsCT (NM_000186.4); short protein forms C931L.
Identifiers: ClinVar variation 4813211 (VCV004813211.1).

ClinVar aggregate classification (germline): Likely pathogenic (1 of 4 stars; one submission).

Conditions:
Hemolytic uremic syndrome, atypical, susceptibility to, 1. Also called: AHUS, SUSCEPTIBILITY TO, 1. Identifiers: Orphanet 2134, Orphanet 90038, MedGen C2749604, MONDO:0009335, OMIM 235400. Disease mechanism: Other.

Submission:

Nephrology, University of Crete, University General Hospital of Heraklion
Classification: Likely pathogenic for Hemolytic uremic syndrome, atypical, susceptibility to, 1. Last evaluated: 2025-03-09. Review status: criteria provided, single submitter. Criteria: ACMG Guidelines, 2015. Collection method: clinical testing. Allele origin: unknown. Affected: yes.